The following is an entry in ClinVar:

ClinVar aggregate classification (germline): Uncertain significance (1 of 4 stars; one submission).

Conditions:
Hereditary spastic paraplegia 7 (SPG7). Also called: SPASTIC PARAPLEGIA 7, AUTOSOMAL RECESSIVE, WITH OR WITHOUT CEREBELLAR ATAXIA; Spastic paraplegia 7; Hereditary spastic paraplegia Paraplegin type; Autosomal recessive spastic paraplegia type 7; SPG7-related neurologic disorder. Identifiers: Orphanet 99013, MedGen C1846564, MONDO:0011803, OMIM 607259.

Submission:

Labcorp Genetics (formerly Invitae), Labcorp
Classification: Uncertain significance for Hereditary spastic paraplegia 7. Last evaluated: 2025-06-20. Review status: criteria provided, single submitter. Criteria: Invitae Variant Classification Sherloc (09022015). Collection method: clinical testing. Allele origin: germline.
Comment: This sequence change replaces valine, which is neutral and non-polar, with glutamic acid, which is acidic and polar, at codon 362 of the SPG7 protein (p.Val362Glu). This variant is not present in population databases (gnomAD no frequency). This variant has not been reported in the literature in individuals affected with SPG7-related conditions. ClinVar contains an entry for this variant (Variation ID: 1513206). Invitae Evidence Modeling of protein sequence and biophysical properties (such as structural, functional, and spatial information, amino acid conservation, physicochemical variation, residue mobility, and thermodynamic stability) indicates that this missense variant is expected to disrupt SPG7 protein function with a positive predictive value of 80%. In summary, the available evidence is currently insufficient to determine the role of this variant in disease. Therefore, it has been classified as a Variant of Uncertain Significance.

NM_003119.4(SPG7):c.1085T>A (p.Val362Glu)

Gene: SPG7 (SPG7 matrix AAA peptidase subunit, paraplegin; plus strand). Cytogenetic location: 16q24.3.
Variant type: single nucleotide variant.
Coding change: c.1085T>A on transcript NM_003119.4 (MANE Select); coding-DNA position 1085, T replaced by A.
Protein change: p.Val362Glu; replaces valine 362 with glutamic acid.
Molecular consequence: missense variant.
Genome position (GRCh38, 1-based): chr16:89,532,001, T>A. VCF-style: chr16-89532001-T-A. GRCh37 (hg19) VCF-style: chr16-89598409-T-A.
Other names: c.1085T>A, p.Val362Glu (NM_001363850.1, NM_199367.3); short protein forms V362E.
Identifiers: ClinVar variation 1513206 (VCV001513206.6), dbSNP rs532511374, ClinGen allele CA397420356.